The following is an entry in ClinVar:

ClinVar aggregate classification (germline): Benign/Likely benign. Review status: criteria provided, multiple submitters, no conflicts (2 of 4 stars). 2 submissions from 2 submitters: Benign (1); Likely benign (1). Last evaluated 2019-08-16.

Conditions:
Pheochromocytoma. Also called: MAX-Related Hereditary Paraganglioma-Pheochromocytoma Syndrome. Identifiers: Orphanet 29072, MedGen C0031511, MONDO:0008233, OMIM 171300, HP:0002666.

Allele frequency attached by ClinVar (database versions not stated): 1000 Genomes Project 0.00359; gnomAD 0.00361 and 0.00379; TOPMed 0.00411; 1000 Genomes Project 30x 0.00468.
gnomAD v4.1: 1,001 of 1,556,186 alleles (0.064%); highest among the groups gnomAD compares: African/African-American, 1.2%; 4 homozygotes.

Submissions (2):

GeneDx
Classification: Likely benign. Last evaluated: 2019-08-16. Review status: criteria provided, single submitter. Criteria: GeneDx Variant Classification Process June 2021. Collection method: clinical testing. Allele origin: germline. Affected: yes.

Illumina Laboratory Services, Illumina
Classification: Benign for Pheochromocytoma. Last evaluated: 2018-01-12. Review status: criteria provided, single submitter. Criteria: ICSL Variant Classification Criteria 13 December 2019. Collection method: clinical testing. Allele origin: germline.
Comment: This variant was observed in the ICSL laboratory as part of a predisposition screen in an ostensibly healthy population. It had not been previously curated by ICSL or reported in the Human Gene Mutation Database (HGMD: prior to June 1st, 2018), and was therefore a candidate for classification through an automated scoring system. Utilizing variant allele frequency, disease prevalence and penetrance estimates, and inheritance mode, an automated score was calculated to assess if this variant is too frequent to cause the disease. Based on the score and internal cut-off values, a variant classified as benign is not then subjected to further curation. The score for this variant resulted in a classification of benign for this disease.

NM_002382.5(MAX):c.-94G>C

Genes: MAX (MYC associated transcriptional regulator X; minus strand), LOC130055850 (ATAC-STARR-seq lymphoblastoid silent region 5847; plus strand). Cytogenetic location: 14q23.3.
Variant type: single nucleotide variant.
Coding change: c.-94G>C on transcript NM_002382.5 (MANE Select); 94 bases upstream of the start codon, G replaced by C.
Molecular consequence: 5 prime UTR variant.
Genome position (GRCh38, 1-based): chr14:65,102,433, C>G on the plus strand (G>C on the coding strand, the complement: MAX is on the minus strand). VCF-style: chr14-65102433-C-G. GRCh37 (hg19) VCF-style: chr14-65569151-C-G.
Other names: c.-94G>C (NM_001271068.2, NM_001271069.2, NM_145112.3 and 3 more transcripts); c.-368G>C (NM_001320415.2).
Identifiers: ClinVar variation 313823 (VCV000313823.7), dbSNP rs536235832, ClinGen allele CA10640661.